The following is an entry in ClinVar:

ClinVar aggregate classification (germline): Uncertain significance (1 of 4 stars; one submission).

Submission:

Labcorp Genetics (formerly Invitae), Labcorp
Classification: Uncertain significance. Last evaluated: 2025-07-21. Review status: criteria provided, single submitter. Criteria: Invitae Variant Classification Sherloc (09022015). Collection method: clinical testing. Allele origin: germline.
Comment: This sequence change replaces serine, which is neutral and polar, with phenylalanine, which is neutral and non-polar, at codon 170 of the SLC1A4 protein (p.Ser170Phe). This variant is not present in population databases (gnomAD no frequency). This variant has not been reported in the literature in individuals affected with SLC1A4-related conditions. ClinVar contains an entry for this variant (Variation ID: 1996883). Invitae Evidence Modeling of protein sequence and biophysical properties (such as structural, functional, and spatial information, amino acid conservation, physicochemical variation, residue mobility, and thermodynamic stability) indicates that this missense variant is not expected to disrupt SLC1A4 protein function with a negative predictive value of 80%. In summary, the available evidence is currently insufficient to determine the role of this variant in disease. Therefore, it has been classified as a Variant of Uncertain Significance.

NM_003038.5(SLC1A4):c.509C>T (p.Ser170Phe)

Gene: SLC1A4 (solute carrier family 1 member 4; plus strand). Cytogenetic location: 2p14.
Variant type: single nucleotide variant.
Coding change: c.509C>T on transcript NM_003038.5 (MANE Select); coding-DNA position 509, C replaced by T.
Protein change: p.Ser170Phe; replaces serine 170 with phenylalanine.
Molecular consequence: missense variant. On other transcripts: intron variant (3).
Genome position (GRCh38, 1-based): chr2:64,990,152, C>T. VCF-style: chr2-64990152-C-T. GRCh37 (hg19) VCF-style: chr2-65217286-C-T.
Other names: c.-134+1532C>T (NM_001348406.2, NM_001193493.2); c.-134+1598C>T (NM_001348407.2); short protein forms S170F.
Identifiers: ClinVar variation 1996883 (VCV001996883.4), dbSNP rs1672999070, ClinGen allele CA347079029.